The following is an entry in ClinVar:

NM_022124.6(CDH23):c.5327A>G (p.Asn1776Ser)

Gene: CDH23 (cadherin related 23; plus strand). Cytogenetic location: 10q22.1.
Variant type: single nucleotide variant.
Coding change: c.5327A>G on transcript NM_022124.6 (MANE Select); coding-DNA position 5327, A replaced by G.
Protein change: p.Asn1776Ser; replaces asparagine 1776 with serine.
Molecular consequence: missense variant.
Genome position (GRCh38, 1-based): chr10:71,779,406, A>G. VCF-style: chr10-71779406-A-G. GRCh37 (hg19) VCF-style: chr10-73539163-A-G.
Other names: short protein forms N1776S.
Identifiers: ClinVar variation 2421918 (VCV002421918.4), dbSNP rs1840896484, ClinGen allele CA377143056.

ClinVar aggregate classification (germline): Uncertain significance. Review status: criteria provided, multiple submitters, no conflicts (2 of 4 stars). 2 submissions from 2 submitters: Uncertain significance (2). Last evaluated 2022-06-02.

Allele frequency attached by ClinVar (database versions not stated): gnomAD exomes below 0.00001; TOPMed below 0.00001.
gnomAD v4.1: 4 of 1,613,270 alleles (0.00025%); highest among the groups gnomAD compares: South Asian, 0.0022%; no homozygotes.

Submissions (2):

Labcorp Genetics (formerly Invitae), Labcorp
Classification: Uncertain significance. Last evaluated: 2022-06-02. Review status: criteria provided, single submitter. Criteria: Invitae Variant Classification Sherloc (09022015). Collection method: clinical testing. Allele origin: germline.
Comment: This sequence change replaces asparagine, which is neutral and polar, with serine, which is neutral and polar, at codon 1776 of the CDH23 protein (p.Asn1776Ser). This variant is not present in population databases (gnomAD no frequency). This variant has not been reported in the literature in individuals affected with CDH23-related conditions. Algorithms developed to predict the effect of missense changes on protein structure and function are either unavailable or do not agree on the potential impact of this missense change (SIFT: "Tolerated"; PolyPhen-2: "Not Available"; Align-GVGD: "Class C0"). In summary, the available evidence is currently insufficient to determine the role of this variant in disease. Therefore, it has been classified as a Variant of Uncertain Significance.

Blueprint Genetics
Classification: Uncertain significance. Last evaluated: 2022-01-13. Review status: criteria provided, single submitter. Criteria: ACMG Guidelines, 2015. Collection method: clinical testing. Allele origin: germline.